The following is an entry in ClinVar:

NM_004415.4(DSP):c.6744G>C (p.Glu2248Asp)

Gene: DSP (desmoplakin; plus strand). Cytogenetic location: 6p24.3.
Variant type: single nucleotide variant.
Coding change: c.6744G>C on transcript NM_004415.4 (MANE Select); coding-DNA position 6744, G replaced by C.
Protein change: p.Glu2248Asp; replaces glutamic acid 2248 with aspartic acid.
Molecular consequence: missense variant.
Genome position (GRCh38, 1-based): chr6:7,584,006, G>C. VCF-style: chr6-7584006-G-C. GRCh37 (hg19) VCF-style: chr6-7584239-G-C.
Other names: c.4947G>C, p.Glu1649Asp (NM_001008844.3); c.5415G>C, p.Glu1805Asp (NM_001319034.2); short protein forms E1649D, E1805D, E2248D.
Identifiers: ClinVar variation 922556 (VCV000922556.5), dbSNP rs1581822997, ClinGen allele CA362691452.
Genomic context (GRCh38, chr6:7,584,006, plus strand): 5'-GAGACCGTCCACTGTCAATGAACTGGAATCTGGTCAGATTTCTTATGACGAGGTTGGTGA[G>C]AGAATTAAGGACTTCCTCCAGGGTTCAAGCTGCATAGCAGGCATATACAATGAGACCACA-3'
Protein context (NP_004406.2, residues 2238-2258): SGQISYDEVG[Glu2248Asp]RIKDFLQGSS

ClinVar aggregate classification (germline): Uncertain significance. Review status: criteria provided, multiple submitters, no conflicts (2 of 4 stars). 2 submissions from 2 submitters: Uncertain significance (2). Last evaluated 2024-06-09.

Conditions:
Cardiomyopathy (CMYO). Also called: Cardiomyopathies. Identifiers: Orphanet 167848, MedGen C0878544, MONDO:0004994, HP:0001638. Inheritance: Various modes of inheritance.
Arrhythmogenic cardiomyopathy with wooly hair and keratoderma. Also called: PALMOPLANTAR KERATODERMA WITH LEFT VENTRICULAR CARDIOMYOPATHY AND WOOLLY HAIR; Carvajal syndrome; Dilated cardiomyopathy with woolly hair and keratoderma; Arrhythmogenic cardiomyopathy with woolly hair and keratoderma. Identifiers: Orphanet 65282, MedGen C1854063, MONDO:0011581, OMIM 605676.

Allele frequency attached by ClinVar (database versions not stated): gnomAD exomes below 0.00001.

Submissions (2):

All of Us Research Program, National Institutes of Health
Classification: Uncertain significance for Arrhythmogenic cardiomyopathy with wooly hair and keratoderma. Last evaluated: 2024-06-09. Review status: criteria provided, single submitter. Criteria: ACMG Guidelines, 2015. Collection method: clinical testing. Allele origin: germline. Inheritance: Autosomal dominant inheritance. Observed: 1 variant allele, 1 heterozygote.
Comment: This missense variant replaces glutamic acid with aspartic acid at codon 2248 of the DSP protein. Computational prediction tool suggests that this variant may not impact protein structure and function (internally defined REVEL score threshold <=0.5, PMID: 27666373). Splice site prediction tools suggest that this variant may not impact RNA splicing. To our knowledge, functional studies have not been performed for this variant. This variant has not been reported in individuals affected with cardiovascular disorders in the literature. This variant has not been identified in the general population by the Genome Aggregation Database (gnomAD). The available evidence is insufficient to determine the role of this variant in disease conclusively. Therefore, this variant is classified as a Variant of Uncertain Significance.

This study involves interpretation of variants in research participants for the purpose of population health screening. Participant phenotype was not available at the time of variant classification. Additional details can be found in publication PMID: 35346344, PMCID: PMC8962531

Color Diagnostics, LLC DBA Color Health
Classification: Uncertain significance for Cardiomyopathy. Last evaluated: 2024-03-07. Review status: criteria provided, single submitter. Criteria: ACMG Guidelines, 2015. Collection method: clinical testing. Allele origin: germline.
Comment: This missense variant replaces glutamic acid with aspartic acid at codon 2248 of the DSP protein. Computational prediction tool suggests that this variant may not impact protein structure and function (internally defined REVEL score threshold <=0.5, PMID: 27666373). Splice site prediction tools suggest that this variant may not impact RNA splicing. To our knowledge, functional studies have not been performed for this variant. This variant has not been reported in individuals affected with cardiovascular disorders in the literature. This variant has not been identified in the general population by the Genome Aggregation Database (gnomAD). The available evidence is insufficient to determine the role of this variant in disease conclusively. Therefore, this variant is classified as a Variant of Uncertain Significance.